The following is an entry in ClinVar:

ClinVar aggregate classification (germline): Uncertain significance. Review status: criteria provided, multiple submitters, no conflicts (2 of 4 stars). 2 submissions from 2 submitters: Uncertain significance (2). Last evaluated 2024-01-01.

Allele frequency attached by ClinVar (database versions not stated): gnomAD exomes below 0.00001; TOPMed 0.00001; ExAC 0.00002.
gnomAD v4.1: 5 of 1,613,586 alleles (0.00031%); highest among the groups gnomAD compares: African/African-American, 0.0027%; no homozygotes.

Submissions (2):

CeGaT Center for Human Genetics Tuebingen
Classification: Uncertain significance. Last evaluated: 2024-01-01. Review status: criteria provided, single submitter. Criteria: CeGaT Center For Human Genetics Tuebingen Variant Classification Criteria Version 2. Collection method: clinical testing. Allele origin: germline. Affected: yes. Observed: 1 variant allele.
Comment: FBXO11: PP3

Labcorp Genetics (formerly Invitae), Labcorp
Classification: Uncertain significance. Last evaluated: 2022-12-04. Review status: criteria provided, single submitter. Criteria: Invitae Variant Classification Sherloc (09022015). Collection method: clinical testing. Allele origin: germline.
Comment: This sequence change replaces aspartic acid, which is acidic and polar, with valine, which is neutral and non-polar, at codon 425 of the FBXO11 protein (p.Asp425Val). This variant is present in population databases (rs761265155, gnomAD 0.01%). This variant has not been reported in the literature in individuals affected with FBXO11-related conditions. Algorithms developed to predict the effect of missense changes on protein structure and function are either unavailable or do not agree on the potential impact of this missense change (SIFT: "Deleterious"; PolyPhen-2: "Probably Damaging"; Align-GVGD: "Class C0"). In summary, the available evidence is currently insufficient to determine the role of this variant in disease. Therefore, it has been classified as a Variant of Uncertain Significance.

NM_001190274.2(FBXO11):c.1274A>T (p.Asp425Val)

Gene: FBXO11 (F-box protein 11; minus strand). Cytogenetic location: 2p16.3.
Variant type: single nucleotide variant.
Coding change: c.1274A>T on transcript NM_001190274.2 (MANE Select); coding-DNA position 1274, A replaced by T.
Protein change: p.Asp425Val; replaces aspartic acid 425 with valine.
Molecular consequence: missense variant.
Genome position (GRCh38, 1-based): chr2:47,832,473, T>A on the plus strand (A>T on the coding strand, the complement: FBXO11 is on the minus strand). VCF-style: chr2-47832473-T-A. GRCh37 (hg19) VCF-style: chr2-48059612-T-A.
Other names: c.1022A>T, p.Asp341Val (NM_001374325.1, NM_025133.4); short protein forms D341V, D425V.
Identifiers: ClinVar variation 2175831 (VCV002175831.26), dbSNP rs761265155, ClinGen allele CA1649871.
Genomic context (GRCh38, chr2:47,832,473, plus strand): 5'-ATTGGGTTTCCATGATTTTTAACCCAAATCCCAGCTAACGCATTATTGGAAATTTCATTA[T>A]CCTCATATATTCCCTACAACAAGTTATCAGAAACAAACATCAGTAGAGCTTTTAAACATT-3'
Protein context (NP_001177203.1, residues 415-435): ITDHAQGIYE[Asp425Val]NEISNNALAG